The following is an entry in ClinVar:

ClinVar aggregate classification (germline): Uncertain significance (1 of 4 stars; one submission).

Allele frequency attached by ClinVar (database versions not stated): gnomAD exomes below 0.00001; gnomAD 0.00002; TOPMed 0.00002.
gnomAD v4.1: 7 of 1,613,858 alleles (0.00043%); highest among the groups gnomAD compares: African/African-American, 0.0053%; no homozygotes.

Submission:

Labcorp Genetics (formerly Invitae), Labcorp
Classification: Uncertain significance. Last evaluated: 2022-07-02. Review status: criteria provided, single submitter. Criteria: Invitae Variant Classification Sherloc (09022015). Collection method: clinical testing. Allele origin: germline.
Comment: Algorithms developed to predict the effect of missense changes on protein structure and function (SIFT, PolyPhen-2, Align-GVGD) all suggest that this variant is likely to be disruptive. In summary, the available evidence is currently insufficient to determine the role of this variant in disease. Therefore, it has been classified as a Variant of Uncertain Significance. This variant has not been reported in the literature in individuals affected with HERC1-related conditions. This variant is present in population databases (no rsID available, gnomAD 0.008%). This sequence change replaces histidine, which is basic and polar, with tyrosine, which is neutral and polar, at codon 4330 of the HERC1 protein (p.His4330Tyr).

NM_003922.4(HERC1):c.12988C>T (p.His4330Tyr)

Gene: HERC1 (HECT and RLD domain containing E3 ubiquitin protein ligase family member 1; minus strand). Cytogenetic location: 15q22.31.
Variant type: single nucleotide variant.
Coding change: c.12988C>T on transcript NM_003922.4 (MANE Select); coding-DNA position 12988, C replaced by T.
Protein change: p.His4330Tyr; replaces histidine 4330 with tyrosine.
Molecular consequence: missense variant.
Genome position (GRCh38, 1-based): chr15:63,628,794, G>A on the plus strand (C>T on the coding strand, the complement: HERC1 is on the minus strand). VCF-style: chr15-63628794-G-A. GRCh37 (hg19) VCF-style: chr15-63920993-G-A.
Other names: short protein forms H4330Y.
Identifiers: ClinVar variation 2013276 (VCV002013276.4), dbSNP rs1304062644, ClinGen allele CA392736326.
Genomic context (GRCh38, chr15:63,628,794, plus strand): 5'-CCGAGATCTGCCGAACATTTTTCCCTTGCAGACCTGTTACCAGGGTTGGTTCTCGAACAT[G>A]GTTGGTATGGCCTAAGCCGAGCTGGGAATAAATCACAAATATACAGACATTCAATTAGAA-3'
Protein context (NP_003913.3, residues 4320-4340): EGQLGLGHTN[His4330Tyr]VREPTLVTGL